The following is an entry in ClinVar:

NM_001042432.2(CLN3):c.223-3T>C

Gene: CLN3 (CLN3 lysosomal/endosomal transmembrane protein, battenin; minus strand). Cytogenetic location: 16p12.1.
Variant type: single nucleotide variant.
Coding change: c.223-3T>C on transcript NM_001042432.2 (MANE Select); 3 bases into the intron before coding-DNA position 223, T replaced by C.
Molecular consequence: intron variant.
Genome position (GRCh38, 1-based): chr16:28,488,665, A>G on the plus strand (T>C on the coding strand, the complement: CLN3 is on the minus strand). VCF-style: chr16-28488665-A-G. GRCh37 (hg19) VCF-style: chr16-28499986-A-G.
Other names: c.60+625T>C (NM_001286109.2); c.222+625T>C (NM_001286104.2); c.3-3T>C (NM_001286105.2); c.61-3T>C (NM_001286110.2); c.223-3T>C (NM_000086.2).
Identifiers: ClinVar variation 1005163 (VCV001005163.6), dbSNP rs776314679, ClinGen allele CA7981011.

ClinVar aggregate classification (germline): Uncertain significance (1 of 4 stars; one submission).

Conditions:
Neuronal ceroid lipofuscinosis. Also called: Neuronal Ceroid Lipofuscinoses. Identifiers: Orphanet 216, Orphanet 79263, MedGen C0027877, MONDO:0016295. Disease mechanism: loss of function.

Allele frequency attached by ClinVar (database versions not stated): gnomAD exomes 0.00001 and 0.00002; ExAC 0.00002.
gnomAD v4.1: 11 of 1,613,946 alleles (0.00068%); highest among the groups gnomAD compares: Non-Finnish European, 0.000085%; no homozygotes.

Submission:

Labcorp Genetics (formerly Invitae), Labcorp
Classification: Uncertain significance for Neuronal ceroid lipofuscinosis. Last evaluated: 2021-08-27. Review status: criteria provided, single submitter. Criteria: Invitae Variant Classification Sherloc (09022015). Collection method: clinical testing. Allele origin: germline.
Comment: This sequence change falls in intron 4 of the CLN3 gene. It does not directly change the encoded amino acid sequence of the CLN3 protein. It affects a nucleotide within the consensus splice site of the intron. This variant is present in population databases (rs776314679, ExAC 0.02%). This variant has not been reported in the literature in individuals affected with CLN3-related conditions. Variants that disrupt the consensus splice site are a relatively common cause of aberrant splicing (PMID: 17576681, 9536098). In summary, the available evidence is currently insufficient to determine the role of this variant in disease. Therefore, it has been classified as a Variant of Uncertain Significance.

Literature cited by the submitters: PubMed 17576681; PubMed 9536098.